The following is an entry in ClinVar:

ClinVar aggregate classification (germline): Likely pathogenic (1 of 4 stars; one submission).

Submission:

GeneDx
Classification: Likely pathogenic. Last evaluated: 2016-05-04. Review status: criteria provided, single submitter. Criteria: GeneDx Variant Classification (06012015). Collection method: clinical testing. Allele origin: germline. Affected: yes.
Comment: The D288G variant in the ACTG1 gene has not been reported previously as a pathogenic variant, nor as a benign variant, to our knowledge. The D288G variant was not observed in approximately 6,500 individuals of European and African American ancestry in the NHLBI Exome Sequencing Project, indicating it is not a common benign variant in these populations. The D288G variant is a non-conservative amino acid substitution, which is likely to impact secondary protein structure as these residues differ in polarity, charge, size and/or other properties. This substitution occurs at a position that is conserved across species. In silico analysis predicts this variant is probably damaging to the protein structure/function. We interpret D288G as a likely pathogenic variant

NM_001614.5(ACTG1):c.863A>G (p.Asp288Gly)

Gene: ACTG1 (actin gamma 1; minus strand). Cytogenetic location: 17q25.3.
Variant type: single nucleotide variant.
Coding change: c.863A>G on transcript NM_001614.5 (MANE Select); coding-DNA position 863, A replaced by G.
Protein change: p.Asp288Gly; replaces aspartic acid 288 with glycine.
Molecular consequence: missense variant. On other transcripts: non-coding transcript variant (1).
Genome position (GRCh38, 1-based): chr17:81,511,048, T>C on the plus strand (A>G on the coding strand, the complement: ACTG1 is on the minus strand). VCF-style: chr17-81511048-T-C. GRCh37 (hg19) VCF-style: chr17-79478074-T-C.
Other names: c.863A>G, p.Asp288Gly (NM_001199954.3); short protein forms D288G.
Identifiers: ClinVar variation 280578 (VCV000280578.2), dbSNP rs886041756, ClinGen allele CA10603415.